The following is an entry in ClinVar:

ClinVar aggregate classification (germline): Likely benign. Review status: criteria provided, multiple submitters, no conflicts (2 of 4 stars). 3 submissions from 3 submitters: Likely benign (3). Last evaluated 2026-02-18.

Conditions:
DNAJB2-related disorder. Also called: DNAJB2-related condition.
Neuronopathy, distal hereditary motor, autosomal recessive 5. Also called: Young adult-onset distal hereditary motor neuropathy; Spinal muscular atrophy, distal, autosomal recessive, 5; NEUROPATHY, DISTAL HEREDITARY MOTOR, AUTOSOMAL RECESSIVE 5. Identifiers: Orphanet 314485, Orphanet 443950, MedGen C4749918, MONDO:0013947, OMIM 614881.

Allele frequency attached by ClinVar (database versions not stated): gnomAD exomes 0.00004; TOPMed 0.00005; ExAC 0.00006; gnomAD 0.00007.
gnomAD v4.1: 144 of 1,612,682 alleles (0.0089%); highest among the groups gnomAD compares: Non-Finnish European, 0.011%; no homozygotes.

Submissions (3):

PreventionGenetics, part of Exact Sciences
Classification: Likely benign for DNAJB2-related condition. Last evaluated: 2026-02-18. Review status: criteria provided, single submitter. Criteria: ACMG Guidelines, 2015. Collection method: clinical testing. Allele origin: germline.
Comment: This variant is classified as likely benign based on ACMG/AMP sequence variant interpretation guidelines (Richards et al. 2015 PMID: 25741868, with internal and published modifications).

Labcorp Genetics (formerly Invitae), Labcorp
Classification: Likely benign for Neuronopathy, distal hereditary motor, autosomal recessive 5. Last evaluated: 2026-01-21. Review status: criteria provided, single submitter. Criteria: Invitae Variant Classification Sherloc (09022015). Collection method: clinical testing. Allele origin: germline.

GeneDx
Classification: Likely benign. Last evaluated: 2019-05-10. Review status: criteria provided, single submitter. Criteria: GeneDx Variant Classification Process June 2021. Collection method: clinical testing. Allele origin: germline. Affected: yes.

NM_006736.6(DNAJB2):c.66-4G>A

Gene: DNAJB2 (DnaJ heat shock protein family (Hsp40) member B2; plus strand). Cytogenetic location: 2q35.
Variant type: single nucleotide variant.
Coding change: c.66-4G>A on transcript NM_006736.6 (MANE Select); 4 bases into the intron before coding-DNA position 66, G replaced by A.
Molecular consequence: intron variant.
Genome position (GRCh38, 1-based): chr2:219,280,574, G>A. VCF-style: chr2-219280574-G-A. GRCh37 (hg19) VCF-style: chr2-220145296-G-A.
Other names: c.66-4G>A (NM_006736.5, NM_001039550.2).
Identifiers: ClinVar variation 515234 (VCV000515234.15), dbSNP rs753872606, ClinGen allele CA2122822.